The following is an entry in ClinVar:

NM_012470.4(TNPO3):c.2674C>G (p.His892Asp)

Gene: TNPO3 (transportin 3; minus strand). Cytogenetic location: 7q32.1.
Variant type: single nucleotide variant.
Coding change: c.2674C>G on transcript NM_012470.4 (MANE Select); coding-DNA position 2674, C replaced by G.
Protein change: p.His892Asp; replaces histidine 892 with aspartic acid.
Molecular consequence: missense variant. On other transcripts: non-coding transcript variant (18).
Genome position (GRCh38, 1-based): chr7:128,967,317, G>C on the plus strand (C>G on the coding strand, the complement: TNPO3 is on the minus strand). VCF-style: chr7-128967317-G-C. GRCh37 (hg19) VCF-style: chr7-128607371-G-C.
Other names: c.2482C>G, p.His828Asp (NM_001191028.3, NM_001382223.1); c.2776C>G, p.His926Asp (NM_001382216.1); c.2755C>G, p.His919Asp (NM_001382217.1); c.2674C>G, p.His892Asp (NM_001382218.1); c.2566C>G, p.His856Asp (NM_001382219.1); c.2533C>G, p.His845Asp (NM_001382220.1); c.2530C>G, p.His844Asp (NM_001382221.1); c.2527C>G, p.His843Asp (NM_001382222.1); short protein forms H844D, H856D, H919D, H828D, H892D, H843D, H845D, H926D.
Identifiers: ClinVar variation 3632373 (VCV003632373.2).

ClinVar aggregate classification (germline): Uncertain significance (1 of 4 stars; one submission).

Conditions:
Autosomal dominant limb-girdle muscular dystrophy type 1F (LGMDD2). Also called: Limb-girdle muscular dystrophy, type 1F; MUSCULAR DYSTROPHY, LIMB-GIRDLE, AUTOSOMAL DOMINANT 2. Identifiers: Orphanet 55595, MedGen C1842062, MONDO:0012034, OMIM 608423.

Submission:

Labcorp Genetics (formerly Invitae), Labcorp
Classification: Uncertain significance for Autosomal dominant limb-girdle muscular dystrophy type 1F. Last evaluated: 2024-02-14. Review status: criteria provided, single submitter. Criteria: Invitae Variant Classification Sherloc (09022015). Collection method: clinical testing. Allele origin: germline.
Comment: This sequence change replaces histidine, which is basic and polar, with aspartic acid, which is acidic and polar, at codon 892 of the TNPO3 protein (p.His892Asp). This variant is not present in population databases (gnomAD no frequency). This variant has not been reported in the literature in individuals affected with TNPO3-related conditions. An algorithm developed to predict the effect of missense changes on protein structure and function (PolyPhen-2) suggests that this variant is likely to be tolerated. In summary, the available evidence is currently insufficient to determine the role of this variant in disease. Therefore, it has been classified as a Variant of Uncertain Significance.